The following is an entry in ClinVar:

ClinVar aggregate classification (germline): Conflicting classifications of pathogenicity. Review status: criteria provided, conflicting classifications (1 of 4 stars). 3 submissions from 3 submitters: Uncertain significance (2); Likely benign (1). Last evaluated 2025-10-20.

Conditions:
Hereditary breast ovarian cancer syndrome. Also called: Hereditary breast and ovarian cancer; BRCA1- and BRCA2-Associated Hereditary Breast and Ovarian Cancer; Hereditary breast and ovarian cancer syndrome (HBOC); Hereditary breast and ovarian cancer syndrome; Breast and ovarian cancer; Hereditary breast and/or ovarian cancer syndrome. Identifiers: Orphanet 145, MedGen C0677776, MeSH D061325, MONDO:0003582. Disease mechanism: loss of function.
Hereditary cancer-predisposing syndrome. Also called: Hereditary Cancer Syndrome; Hereditary neoplastic syndrome; Neoplastic Syndromes, Hereditary; Tumor predisposition. Identifiers: Orphanet 140162, MedGen C0027672, MeSH D009386, MONDO:0015356.

Submissions (3):

Ambry Genetics
Classification: Uncertain significance for Hereditary cancer-predisposing syndrome. Last evaluated: 2025-10-20. Review status: criteria provided, single submitter. Criteria: Ambry Variant Classification Scheme 2023. Collection method: clinical testing. Allele origin: germline.
Comment: The c.5745_5746delGCinsAT variant (also known as p.H1916Y), located in coding exon 10 of the BRCA2 gene, results from an in-frame deletion of GC and insertion of AT at nucleotide positions 5745 to 5746. This results in the substitution of the histidine residue for a tyrosine residue at codon 1916, an amino acid with similar properties. This amino acid position is not well conserved in available vertebrate species. In addition, the in silico prediction for this alteration is inconclusive (Choi Y et al. PLoS ONE. 2012; 7(10):e46688). Based on the available evidence, the clinical significance of this variant remains unclear.

University of Washington Department of Laboratory Medicine, University of Washington
Classification: Likely benign for Hereditary cancer-predisposing syndrome. Last evaluated: 2023-03-23. Review status: criteria provided, single submitter. Criteria: Dines et al. (Genet Med. 2020). Collection method: curation. Allele origin: germline.
Comment: Missense variant in a coldspot region where missense variants are very unlikely to be pathogenic (PMID:31911673).

BRCA2 exon 11 coldspot. Reclassification based on statistical prior probability.

Labcorp Genetics (formerly Invitae), Labcorp
Classification: Uncertain significance for Hereditary breast ovarian cancer syndrome. Last evaluated: 2022-06-21. Review status: criteria provided, single submitter. Criteria: Invitae Variant Classification Sherloc (09022015). Collection method: clinical testing. Allele origin: germline.
Comment: Experimental studies and prediction algorithms are not available or were not evaluated, and the functional significance of this variant is currently unknown. In summary, the available evidence is currently insufficient to determine the role of this variant in disease. Therefore, it has been classified as a Variant of Uncertain Significance. This variant has not been reported in the literature in individuals affected with BRCA2-related conditions. Information on the frequency of this variant in the gnomAD database is not available, as this variant may be reported differently in the database. This sequence change replaces histidine, which is basic and polar, with tyrosine, which is neutral and polar, at codon 1916 of the BRCA2 protein (p.His1916Tyr).

NM_000059.4(BRCA2):c.5745_5746delinsAT (p.His1916Tyr)

Gene: BRCA2 (BRCA2 DNA repair associated; plus strand). Cytogenetic location: 13q13.1.
Variant type: Indel.
Coding change: c.5745_5746delinsAT on transcript NM_000059.4 (MANE Select); coding-DNA positions 5745 to 5746, GC replaced by AT.
Protein change: p.His1916Tyr; replaces histidine 1916 with tyrosine.
Molecular consequence: missense variant.
Genome position (GRCh38, 1-based): chr13:32,340,100-32,340,101, GC replaced by AT. VCF-style: chr13-32340100-GC-AT. GRCh37 (hg19) VCF-style: chr13-32914237-GC-AT.
Other names: c.5745_5746delGCinsAT, p.His1916Tyr (NM_001406719.1, NM_001406720.1); short protein forms H1916Y.
Identifiers: ClinVar variation 1749403 (VCV001749403.11), dbSNP rs2548531638, ClinGen allele CA2580087759.